The following is an entry in ClinVar:

ClinVar aggregate classification (germline): Likely benign. Review status: criteria provided, single submitter (1 of 4 stars). 2 submissions from 2 submitters: Likely benign (1). 1 of the submissions does not count toward it. Last evaluated 2024-03-13.

Conditions:
FRAS1-related disorder. Also called: FRAS1-related condition.

Allele frequency attached by ClinVar (database versions not stated): gnomAD 0.00001; gnomAD exomes 0.00001; ExAC 0.00002.
gnomAD v4.1: 12 of 1,613,552 alleles (0.00074%); highest among the groups gnomAD compares: Non-Finnish European, 0.001%; no homozygotes.

Submissions (2):

Labcorp Genetics (formerly Invitae), Labcorp
Classification: Likely benign. Last evaluated: 2024-03-13. Review status: criteria provided, single submitter. Criteria: Invitae Variant Classification Sherloc (09022015). Collection method: clinical testing. Allele origin: germline.

PreventionGenetics, part of Exact Sciences
Classification: Likely benign for FRAS1-related condition. Last evaluated: 2023-03-17. Review status: no assertion criteria provided. Collection method: clinical testing. Allele origin: germline. Not counted in ClinVar's aggregate classification.
Comment: This variant is classified as likely benign based on ACMG/AMP sequence variant interpretation guidelines (Richards et al. 2015 PMID: 25741868, with internal and published modifications).

NM_025074.7(FRAS1):c.6804A>G (p.Ser2268=)

Gene: FRAS1 (Fraser extracellular matrix complex subunit 1; plus strand). Cytogenetic location: 4q21.21.
Variant type: single nucleotide variant.
Coding change: c.6804A>G on transcript NM_025074.7 (MANE Select); coding-DNA position 6804, A replaced by G.
Protein change: p.Ser2268=; no amino-acid change (serine 2268 retained).
Molecular consequence: synonymous variant.
Genome position (GRCh38, 1-based): chr4:78,464,061, A>G. VCF-style: chr4-78464061-A-G. GRCh37 (hg19) VCF-style: chr4-79385215-A-G.
Other names: c.6804A>G (NM_025074.6).
Identifiers: ClinVar variation 2800439 (VCV002800439.5), dbSNP rs748066291, ClinGen allele CA2977894.
Genomic context (GRCh38, chr4:78,464,061, plus strand): 5'-CTCTTTTCCCCTTTTTCTAGGTATCCAGATTAGTTCCTTTACTCAAGCTGATCTGACTTC[A>G]CGAAATGTTCAGTATGTCCATTCTAGTGAGGCTGAGAAACATTCAGATGCCTTCAGCTTT-3'
Protein context (NP_079350.5, residues 2258-2278): ISSFTQADLT[Ser2268=]RNVQYVHSSE